The following is an entry in ClinVar:

NM_001377540.1(SLMAP):c.991A>T (p.Ile331Phe)

Gene: SLMAP (sarcolemma associated protein; plus strand). Cytogenetic location: 3p14.3.
Variant type: single nucleotide variant.
Coding change: c.991A>T on transcript NM_001377540.1 (MANE Select); coding-DNA position 991, A replaced by T.
Protein change: p.Ile331Phe; replaces isoleucine 331 with phenylalanine.
Molecular consequence: missense variant. On other transcripts: non-coding transcript variant (1).
Genome position (GRCh38, 1-based): chr3:57,864,572, A>T. VCF-style: chr3-57864572-A-T. GRCh37 (hg19) VCF-style: chr3-57850299-A-T.
Other names: c.991A>T, p.Ile331Phe (NM_001304420.3, NM_001304421.2, NM_001377538.1 and 17 more transcripts); short protein forms I331F.
Identifiers: ClinVar variation 2562994 (VCV002562994.2), dbSNP rs199942083, ClinGen allele CA75407853.

ClinVar aggregate classification (germline): Uncertain significance (1 of 4 stars; one submission).

Allele frequency attached by ClinVar (database versions not stated): TOPMed 0.00001; gnomAD exomes 0.00002.
gnomAD v4.1: 28 of 1,574,274 alleles (0.0018%); highest among the groups gnomAD compares: Non-Finnish European, 0.0021%; no homozygotes.

Submission:

Ambry Genetics
Classification: Uncertain significance. Last evaluated: 2023-05-27. Review status: criteria provided, single submitter. Criteria: Ambry Variant Classification Scheme 2023. Collection method: clinical testing. Allele origin: germline.
Comment: The p.I331F variant (also known as c.991A>T), located in coding exon 10 of the SLMAP gene, results from an A to T substitution at nucleotide position 991. The isoleucine at codon 331 is replaced by phenylalanine, an amino acid with highly similar properties. This amino acid position is conserved. In addition, this alteration is predicted to be tolerated by in silico analysis. Since supporting evidence is limited at this time, the clinical significance of this alteration remains unclear.